The following is an entry in ClinVar:

NM_006346.4(PIBF1):c.930G>A (p.Glu310=)

Gene: PIBF1 (progesterone immunomodulatory binding factor 1; plus strand). Cytogenetic location: 13q22.1.
Variant type: single nucleotide variant.
Coding change: c.930G>A on transcript NM_006346.4 (MANE Select); coding-DNA position 930, G replaced by A.
Protein change: p.Glu310=; no amino-acid change (glutamic acid 310 retained).
Molecular consequence: synonymous variant. On other transcripts: non-coding transcript variant (2).
Genome position (GRCh38, 1-based): chr13:72,827,747, G>A. VCF-style: chr13-72827747-G-A. GRCh37 (hg19) VCF-style: chr13-73401885-G-A.
Other names: c.930G>A, p.Glu310= (NM_001349655.2).
Identifiers: ClinVar variation 3052925 (VCV003052925.3), dbSNP rs147214146, ClinGen allele CA7002099.

ClinVar aggregate classification (germline): Benign. Review status: criteria provided, single submitter (1 of 4 stars). 2 submissions from 2 submitters: Benign (1). 1 of the submissions does not count toward it. Last evaluated 2025-09-25.

Conditions:
PIBF1-related disorder. Also called: PIBF1-related condition.

Allele frequency attached by ClinVar (database versions not stated): gnomAD exomes 0.00014; ExAC 0.00050; 1000 Genomes Project 0.00080; 1000 Genomes Project 30x 0.00094; gnomAD 0.00153; TOPMed 0.00185; ESP Exome Variant Server 0.00192.
gnomAD v4.1: 429 of 1,584,490 alleles (0.027%); highest among the groups gnomAD compares: African/African-American, 0.54%; 1 homozygote.

Submissions (2):

Labcorp Genetics (formerly Invitae), Labcorp
Classification: Benign. Last evaluated: 2025-09-25. Review status: criteria provided, single submitter. Criteria: Invitae Variant Classification Sherloc (09022015). Collection method: clinical testing. Allele origin: germline.

PreventionGenetics, part of Exact Sciences
Classification: Likely benign for PIBF1-related condition. Last evaluated: 2022-11-23. Review status: no assertion criteria provided. Collection method: clinical testing. Allele origin: germline. Not counted in ClinVar's aggregate classification.
Comment: This variant is classified as likely benign based on ACMG/AMP sequence variant interpretation guidelines (Richards et al. 2015 PMID: 25741868, with internal and published modifications).